The following is an entry in ClinVar:

ClinVar aggregate classification (germline): Uncertain significance (1 of 4 stars; one submission).

Conditions:
Inborn genetic diseases. Identifiers: MedGen C0950123, MeSH D030342.

Allele frequency attached by ClinVar (database versions not stated): TOPMed below 0.00001; gnomAD 0.00001; gnomAD exomes 0.00001.

Submission:

Ambry Genetics
Classification: Uncertain significance for Inborn genetic diseases. Last evaluated: 2021-08-16. Review status: criteria provided, single submitter. Criteria: Ambry Variant Classification Scheme 2023. Collection method: clinical testing. Allele origin: germline.
Comment: The p.M379I variant (also known as c.1137G>A), located in coding exon 11 of the GSS gene, results from a G to A substitution at nucleotide position 1137. The methionine at codon 379 is replaced by isoleucine, an amino acid with highly similar properties. This amino acid position is conserved. In addition, this alteration is predicted to be tolerated by in silico analysis. Since supporting evidence is limited at this time, the clinical significance of this alteration remains unclear.

NM_000178.4(GSS):c.1137G>A (p.Met379Ile)

Gene: GSS (glutathione synthetase; minus strand). Cytogenetic location: 20q11.22.
Variant type: single nucleotide variant.
Coding change: c.1137G>A on transcript NM_000178.4 (MANE Select); coding-DNA position 1137, G replaced by A.
Protein change: p.Met379Ile; replaces methionine 379 with isoleucine.
Molecular consequence: missense variant.
Genome position (GRCh38, 1-based): chr20:34,929,565, C>T on the plus strand (G>A on the coding strand, the complement: GSS is on the minus strand). VCF-style: chr20-34929565-C-T. GRCh37 (hg19) VCF-style: chr20-33517368-C-T.
Other names: c.1137G>A, p.Met379Ile (NM_001322494.1, NM_001322495.1); short protein forms M379I.
Identifiers: ClinVar variation 1730096 (VCV001730096.2), dbSNP rs1356522270, ClinGen allele CA408700756.